The following is an entry in ClinVar:

NM_024844.5(NUP85):c.1655G>A (p.Arg552His)

Gene: NUP85 (nucleoporin 85; plus strand). Cytogenetic location: 17q25.1.
Variant type: single nucleotide variant.
Coding change: c.1655G>A on transcript NM_024844.5 (MANE Select); coding-DNA position 1655, G replaced by A.
Protein change: p.Arg552His; replaces arginine 552 with histidine.
Molecular consequence: missense variant.
Genome position (GRCh38, 1-based): chr17:75,234,676, G>A. VCF-style: chr17-75234676-G-A. GRCh37 (hg19) VCF-style: chr17-73230771-G-A.
Other names: c.1517G>A, p.Arg506His (NM_001303276.2); c.1520G>A, p.Arg507His (NM_001330472.2); short protein forms R507H, R552H, R506H.
Identifiers: ClinVar variation 3203239 (VCV003203239.1), dbSNP rs1404237563, ClinGen allele CA400990489.
Genomic context (GRCh38, chr17:75,234,676, plus strand): 5'-AGTGCTCTTGTTTCGCCATAGGAAAGTATCGCGAGTTCCACCGTATGTACGGGGAGAAGC[G>A]TTTTGCCGACGCAGCTTCTCTCCTTCTGTCCTTGATGACGTCTCGGATTGCCCCTCGGTC-3'
Protein context (NP_079120.1, residues 542-562): REFHRMYGEK[Arg552His]FADAASLLLS

ClinVar aggregate classification (germline): Uncertain significance (1 of 4 stars; one submission).

Allele frequency attached by ClinVar (database versions not stated): TOPMed below 0.00001; gnomAD exomes 0.00001.
gnomAD v4.1: 16 of 1,614,212 alleles (0.00099%); highest among the groups gnomAD compares: South Asian, 0.0066%; no homozygotes.

Submission:

Ambry Genetics
Classification: Uncertain significance. Last evaluated: 2023-11-22. Review status: criteria provided, single submitter. Criteria: Ambry Variant Classification Scheme 2023. Collection method: clinical testing. Allele origin: germline.
Comment: Does not currently meet published gene-disease clinical validity criteria Based on insufficient or conflicting evidence, the clinical significance of this alteration remains unclear.

Literature cited by the submitters: PubMed 28106320.